The following is an entry in ClinVar:

ClinVar aggregate classification (germline): Uncertain significance. Review status: criteria provided, multiple submitters, no conflicts (2 of 4 stars). 4 submissions from 4 submitters: Uncertain significance (3). 1 of the submissions does not count toward it. Last evaluated 2024-10-15.

Conditions:
Mucopolysaccharidosis, MPS-III-A (MPS3A). Also called: mucopolysaccharidosis type 3A; MPS IIIA (Sanfilippo Syndrome Type A); HEPARAN SULFATE SULFATASE DEFICIENCY; MUCOPOLYSACCHARIDOSIS, TYPE IIIA, ATTENUATED; Mucopolysaccharidosis type IIIA (Sanfilippo A); Mucopolysaccharidosis, type IIIA. Identifiers: Orphanet 581, Orphanet 79269, MedGen C0086647, MONDO:0009655, OMIM 252900.

Allele frequency attached by ClinVar (database versions not stated): 1000 Genomes Project 30x 0.00031; gnomAD exomes 0.00035; ExAC 0.00067; 1000 Genomes Project 0.00040.
gnomAD v4.1: 97 of 1,523,114 alleles (0.0064%); highest among the groups gnomAD compares: South Asian, 0.076%; 1 homozygote.

Submissions (4):

Blueprint Genetics
Classification: Uncertain significance. Last evaluated: 2024-10-15. Review status: criteria provided, single submitter. Criteria: ACMG Guidelines, 2015. Collection method: clinical testing. Allele origin: germline.

Labcorp Genetics (formerly Invitae), Labcorp
Classification: Uncertain significance for Mucopolysaccharidosis, MPS-III-A. Last evaluated: 2022-11-03. Review status: criteria provided, single submitter. Criteria: Invitae Variant Classification Sherloc (09022015). Collection method: clinical testing. Allele origin: germline.
Comment: This sequence change replaces arginine, which is basic and polar, with tryptophan, which is neutral and slightly polar, at codon 23 of the SGSH protein (p.Arg23Trp). This variant is present in population databases (rs529571746, gnomAD 0.1%). This variant has not been reported in the literature in individuals affected with SGSH-related conditions. ClinVar contains an entry for this variant (Variation ID: 1052585). Advanced modeling of protein sequence and biophysical properties (such as structural, functional, and spatial information, amino acid conservation, physicochemical variation, residue mobility, and thermodynamic stability) performed at Invitae indicates that this missense variant is expected to disrupt SGSH protein function. In summary, the available evidence is currently insufficient to determine the role of this variant in disease. Therefore, it has been classified as a Variant of Uncertain Significance.

Genome-Nilou Lab
Classification: Uncertain significance for Mucopolysaccharidosis, MPS-III-A. Last evaluated: 2021-11-07. Review status: criteria provided, single submitter. Criteria: ACMG Guidelines, 2015. Collection method: clinical testing. Allele origin: germline. Affected: no.

Natera, Inc.
Classification: Uncertain significance for Mucopolysaccharidosis type IIIA. Last evaluated: 2020-01-17. Review status: no assertion criteria provided. Collection method: clinical testing. Allele origin: germline. Not counted in ClinVar's aggregate classification.

NM_000199.5(SGSH):c.67C>T (p.Arg23Trp)

Gene: SGSH (N-sulfoglucosamine sulfohydrolase; minus strand). Cytogenetic location: 17q25.3.
Variant type: single nucleotide variant.
Coding change: c.67C>T on transcript NM_000199.5 (MANE Select); coding-DNA position 67, C replaced by T.
Protein change: p.Arg23Trp; replaces arginine 23 with tryptophan.
Molecular consequence: missense variant. On other transcripts: non-coding transcript variant (1).
Genome position (GRCh38, 1-based): chr17:80,220,247, G>A on the plus strand (C>T on the coding strand, the complement: SGSH is on the minus strand). VCF-style: chr17-80220247-G-A. GRCh37 (hg19) VCF-style: chr17-78194046-G-A.
Other names: c.67C>T, p.Arg23Trp (NM_001352921.3, NM_001352922.2); short protein forms R23W.
Identifiers: ClinVar variation 1052585 (VCV001052585.9), dbSNP rs529571746, ClinGen allele CA8818199.